The following is an entry in ClinVar:

ClinVar aggregate classification (germline): Conflicting classifications of pathogenicity. Review status: criteria provided, conflicting classifications (1 of 4 stars). 3 submissions from 3 submitters: Uncertain significance (2); Likely benign (1). Last evaluated 2025-05-26.

Conditions:
Hereditary cancer-predisposing syndrome. Also called: Neoplastic Syndromes, Hereditary; Hereditary Cancer Syndrome; Tumor predisposition; Hereditary neoplastic syndrome. Identifiers: Orphanet 140162, MedGen C0027672, MeSH D009386, MONDO:0015356.
Multiple endocrine neoplasia, type 2 (MEN2). Identifiers: Orphanet 653, MedGen C4048306, MONDO:0019003. Disease mechanism: gain of function.

Allele frequency attached by ClinVar (database versions not stated): TOPMed below 0.00001; gnomAD exomes 0.00001; ExAC 0.00002.
gnomAD v4.1: 3 of 1,614,132 alleles (0.00019%); highest among the groups gnomAD compares: Non-Finnish European, 0.00025%; no homozygotes.

Submissions (3):

Labcorp Genetics (formerly Invitae), Labcorp
Classification: Uncertain significance for Multiple endocrine neoplasia, type 2. Last evaluated: 2025-05-26. Review status: criteria provided, single submitter. Criteria: Invitae Variant Classification Sherloc (09022015). Collection method: clinical testing. Allele origin: germline.
Comment: This sequence change replaces valine, which is neutral and non-polar, with alanine, which is neutral and non-polar, at codon 455 of the RET protein (p.Val455Ala). This variant is present in population databases (rs752267460, gnomAD 0.002%). This variant has not been reported in the literature in individuals affected with RET-related conditions. ClinVar contains an entry for this variant (Variation ID: 543759). An algorithm developed to predict the effect of missense changes on protein structure and function outputs the following: PolyPhen-2: "Benign". The alanine amino acid residue is found in multiple mammalian species, which suggests that this missense change does not adversely affect protein function. In summary, the available evidence is currently insufficient to determine the role of this variant in disease. Therefore, it has been classified as a Variant of Uncertain Significance.

Ambry Genetics
Classification: Likely benign for Hereditary cancer-predisposing syndrome. Last evaluated: 2024-10-26. Review status: criteria provided, single submitter. Criteria: Ambry Variant Classification Scheme 2023. Collection method: clinical testing. Allele origin: germline.

All of Us Research Program, National Institutes of Health
Classification: Uncertain significance for Multiple endocrine neoplasia, type 2. Last evaluated: 2022-10-31. Review status: criteria provided, single submitter. Criteria: ACMG Guidelines, 2015. Collection method: clinical testing. Allele origin: germline. Inheritance: Autosomal dominant inheritance. Observed: 1 variant allele, 1 heterozygote.
Comment: This study involves interpretation of variants in research participants for the purpose of population health screening. Participant phenotype was not available at the time of variant classification. Additional details can be found in publication PMID: 35346344, PMCID: PMC8962531

NM_020975.6(RET):c.1364T>C (p.Val455Ala)

Gene: RET (ret proto-oncogene; plus strand). Cytogenetic location: 10q11.21.
Variant type: single nucleotide variant.
Coding change: c.1364T>C on transcript NM_020975.6 (MANE Select); coding-DNA position 1364, T replaced by C.
Protein change: p.Val455Ala; replaces valine 455 with alanine.
Molecular consequence: missense variant.
Genome position (GRCh38, 1-based): chr10:43,111,307, T>C. VCF-style: chr10-43111307-T-C. GRCh37 (hg19) VCF-style: chr10-43606755-T-C.
Other names: c.1364T>C, p.Val455Ala (NM_000323.2, NM_001406743.1, NM_001406744.1 and 6 more transcripts); c.602T>C, p.Val201Ala (NM_001355216.2); c.1235T>C, p.Val412Ala (NM_001406761.1, NM_001406762.1, NM_001406764.1 and 1 more transcripts); c.1076T>C, p.Val359Ala (NM_001406766.1, NM_001406767.1, NM_001406770.1); c.968T>C, p.Val323Ala (NM_001406769.1, NM_001406772.1); c.926T>C, p.Val309Ala (NM_001406771.1, NM_001406773.1); c.839T>C, p.Val280Ala (NM_001406774.1); c.638T>C, p.Val213Ala (NM_001406775.1, NM_001406776.1, NM_001406777.1 and 1 more transcripts); and 1 more; short protein forms V455A, V201A, V213A, V280A, V323A, V125A, V359A, V309A.
Identifiers: ClinVar variation 543759 (VCV000543759.13), dbSNP rs752267460, ClinGen allele CA033305.